The following is an entry in ClinVar:

ClinVar aggregate classification (germline): Uncertain significance (1 of 4 stars; one submission).

Conditions:
Familial adenomatous polyposis 1 (FAP1). Also called: FAMILIAL ADENOMATOUS POLYPOSIS 1, ATTENUATED; POLYPOSIS, ADENOMATOUS INTESTINAL. Identifiers: MedGen C2713442, MONDO:0021056, OMIM 175100. Disease mechanism: loss of function.

Submission:

Labcorp Genetics (formerly Invitae), Labcorp
Classification: Uncertain significance for Familial adenomatous polyposis 1. Last evaluated: 2022-10-27. Review status: criteria provided, single submitter. Criteria: Invitae Variant Classification Sherloc (09022015). Collection method: clinical testing. Allele origin: germline.
Comment: In summary, the available evidence is currently insufficient to determine the role of this variant in disease. Therefore, it has been classified as a Variant of Uncertain Significance. This variant, c.4762_4764del, results in the deletion of 1 amino acid(s) of the APC protein (p.Ser1588del), but otherwise preserves the integrity of the reading frame. This variant is not present in population databases (gnomAD no frequency). This variant has not been reported in the literature in individuals affected with APC-related conditions. Experimental studies and prediction algorithms are not available or were not evaluated, and the functional significance of this variant is currently unknown.

NM_000038.6(APC):c.4759TCA[1] (p.Ser1588del)

Gene: APC (APC regulator of Wnt signaling pathway; plus strand). Cytogenetic location: 5q22.2.
Variant type: Microsatellite.
Coding change: c.4759TCA[1] on transcript NM_000038.6 (MANE Select); one copy of the 3-base unit TCA starting at c.4759; the reference has two copies in a row; one copy, 3 bases deleted.
Protein change: p.Ser1588del; deletes serine 1588.
Molecular consequence: inframe deletion. On other transcripts: non-coding transcript variant (2).
Genome position (GRCh38, 1-based): chr5:112,840,356-112,840,358, TCA deleted; deleting any 3 consecutive bases within chr5:112,840,353-112,840,358 gives the same sequence; the position shown is the placement nearest the transcript's 3' end. VCF-style (leftmost placement, unchanged base first): chr5-112840352-GTCA-G. GRCh37 (hg19) VCF-style: chr5-112176049-GTCA-G.
Other names: c.4759TCA[1], p.Ser1588del (NM_001127510.3, NM_001354895.2, NM_001407450.1); c.4705TCA[1], p.Ser1570del (NM_001127511.3); c.4813TCA[1], p.Ser1606del (NM_001354896.2, NM_001407447.1, NM_001407448.1 and 1 more transcripts); c.4789TCA[1], p.Ser1598del (NM_001354897.2); c.4684TCA[1], p.Ser1563del (NM_001354898.2); c.4675TCA[1], p.Ser1560del (NM_001354899.2); c.4636TCA[1], p.Ser1547del (NM_001354900.2); c.4582TCA[1], p.Ser1529del (NM_001354901.2, NM_001407453.1); and 11 more; short protein forms S1305del, S1428del, S1487del, S1560del, S1570del, S1204del, S1462del, S1497del.
Identifiers: ClinVar variation 2809870 (VCV002809870.3), dbSNP rs2533597981, ClinGen allele CA2739272570.